The following is an entry in ClinVar:

ClinVar aggregate classification (germline): Uncertain significance (1 of 4 stars; one submission).

Conditions:
Developmental and epileptic encephalopathy, 33 (DEE33). Also called: Epileptic encephalopathy, early infantile, 33. Identifiers: Orphanet 442835, MedGen C4225337, MONDO:0014625, OMIM 616409.

Submission:

3billion
Classification: Uncertain significance for Developmental and epileptic encephalopathy, 33. Last evaluated: 2025-05-07. Review status: criteria provided, single submitter. Criteria: ACMG Guidelines, 2015. Collection method: clinical testing. Allele origin: germline. Affected: yes.
Comment: The variant is not observed in the gnomAD v4.1.0 dataset. Predicted Consequence/Location: Missense variant. Missense changes are a common disease-causing mechanism. In silico tools predict the variant to alter splicing and produce an abnormal transcript [SpliceAI: 0.38 (>=0.2, moderate evidence for spliceogenicity)]. Therefore, this variant is classified as VUS according to the recommendation of ACMG/AMP guideline.

NM_001958.5(EEF1A2):c.942C>G (p.Asn314Lys)

Gene: EEF1A2 (eukaryotic translation elongation factor 1 alpha 2; minus strand). Cytogenetic location: 20q13.33.
Variant type: single nucleotide variant.
Coding change: c.942C>G on transcript NM_001958.5 (MANE Select); coding-DNA position 942, C replaced by G.
Protein change: p.Asn314Lys; replaces asparagine 314 with lysine.
Molecular consequence: missense variant.
Genome position (GRCh38, 1-based): chr20:63,490,566, G>C on the plus strand (C>G on the coding strand, the complement: EEF1A2 is on the minus strand). VCF-style: chr20-63490566-G-C. GRCh37 (hg19) VCF-style: chr20-62121919-G-C.
Other names: short protein forms N314K.
Identifiers: ClinVar variation 4856380 (VCV004856380.1).
Genomic context (GRCh38, chr20:63,490,566, plus strand): 5'-CGGCGGGTCAGACTTGCTGTCCCCACACACGTTGCCCCGCCGGATGTCCTTCACCGACAC[G>C]TTCTTCACATTGAAGCCGACGTTGTCGCCGGGCAGAGCTTCGCTCAGAGCCTCGTGGTGC-3'
Protein context (NP_001949.1, residues 304-324): PGDNVGFNVK[Asn314Lys]VSVKDIRRGN